The following is an entry in ClinVar:

NM_014264.5(PLK4):c.1442G>T (p.Gly481Val)

Gene: PLK4 (polo like kinase 4; plus strand). Cytogenetic location: 4q28.1.
Variant type: single nucleotide variant.
Coding change: c.1442G>T on transcript NM_014264.5 (MANE Select); coding-DNA position 1442, G replaced by T.
Protein change: p.Gly481Val; replaces glycine 481 with valine.
Molecular consequence: missense variant.
Genome position (GRCh38, 1-based): chr4:127,887,479, G>T. VCF-style: chr4-127887479-G-T. GRCh37 (hg19) VCF-style: chr4-128808634-G-T.
Other names: c.1346G>T, p.Gly449Val (NM_001190799.2); c.1319G>T, p.Gly440Val (NM_001190801.2); short protein forms G440V, G449V, G481V.
Identifiers: ClinVar variation 1690774 (VCV001690774.7), dbSNP rs1409755064, ClinGen allele CA358154920.

ClinVar aggregate classification (germline): Conflicting classifications of pathogenicity. Review status: criteria provided, conflicting classifications (1 of 4 stars). 2 submissions from 2 submitters: Uncertain significance (1); Likely benign (1). Last evaluated 2022-08-07.

Allele frequency attached by ClinVar (database versions not stated): gnomAD exomes below 0.00001.
gnomAD v4.1: 3 of 1,598,122 alleles (0.00019%); highest among the groups gnomAD compares: Admixed American, 0.0017%; no homozygotes.

Submissions (2):

Labcorp Genetics (formerly Invitae), Labcorp
Classification: Uncertain significance. Last evaluated: 2022-08-07. Review status: criteria provided, single submitter. Criteria: Invitae Variant Classification Sherloc (09022015). Collection method: clinical testing. Allele origin: germline.
Comment: This variant is not present in population databases (gnomAD no frequency). This sequence change replaces glycine, which is neutral and non-polar, with valine, which is neutral and non-polar, at codon 481 of the PLK4 protein (p.Gly481Val). This variant has not been reported in the literature in individuals affected with PLK4-related conditions. In summary, the available evidence is currently insufficient to determine the role of this variant in disease. Therefore, it has been classified as a Variant of Uncertain Significance. Algorithms developed to predict the effect of missense changes on protein structure and function are either unavailable or do not agree on the potential impact of this missense change (SIFT: "Deleterious"; PolyPhen-2: "Probably Damaging"; Align-GVGD: "Class C0"). ClinVar contains an entry for this variant (Variation ID: 1690774).

Laboratorio de Genetica e Diagnostico Molecular, Hospital Israelita Albert Einstein
Classification: Likely benign. Last evaluated: 2020-01-17. Review status: criteria provided, single submitter. Criteria: ACMG Guidelines, 2015. Collection method: clinical testing. Allele origin: germline. Affected: yes.
Comment: ACMG classification criteria: PM2, BP1, BP4